The following is an entry in ClinVar:

NM_000212.3(ITGB3):c.1812C>T (p.Arg604=)

Gene: ITGB3 (integrin subunit beta 3; plus strand). Cytogenetic location: 17q21.32.
Variant type: single nucleotide variant.
Coding change: c.1812C>T on transcript NM_000212.3 (MANE Select); coding-DNA position 1812, C replaced by T.
Protein change: p.Arg604=; no amino-acid change (arginine 604 retained).
Molecular consequence: synonymous variant.
Genome position (GRCh38, 1-based): chr17:47,299,429, C>T. VCF-style: chr17-47299429-C-T. GRCh37 (hg19) VCF-style: chr17-45376795-C-T.
Identifiers: ClinVar variation 2196467 (VCV002196467.26), dbSNP rs769950254, ClinGen allele CA8623365.

ClinVar aggregate classification (germline): Likely benign. Review status: criteria provided, multiple submitters, no conflicts (2 of 4 stars). 3 submissions from 3 submitters: Likely benign (3). Last evaluated 2024-11-01.

Allele frequency attached by ClinVar (database versions not stated): ExAC 0.00003; gnomAD 0.00003; TOPMed 0.00004.
gnomAD v4.1: 40 of 1,614,134 alleles (0.0025%); highest among the groups gnomAD compares: Middle Eastern, 0.016%; no homozygotes.

Submissions (3):

Women's Health and Genetics/Laboratory Corporation of America, LabCorp
Classification: Likely benign. Last evaluated: 2024-11-01. Review status: criteria provided, single submitter. Criteria: LabCorp Variant Classification Summary - May 2015. Collection method: clinical testing. Allele origin: germline.

CeGaT Center for Human Genetics Tuebingen
Classification: Likely benign. Last evaluated: 2024-03-01. Review status: criteria provided, single submitter. Criteria: CeGaT Center For Human Genetics Tuebingen Variant Classification Criteria Version 2. Collection method: clinical testing. Allele origin: germline. Affected: yes. Observed: 1 variant allele.
Comment: ITGB3: BP4, BP7

Labcorp Genetics (formerly Invitae), Labcorp
Classification: Likely benign. Last evaluated: 2024-02-14. Review status: criteria provided, single submitter. Criteria: Invitae Variant Classification Sherloc (09022015). Collection method: clinical testing. Allele origin: germline.